The following is an entry in ClinVar:

ClinVar aggregate classification (germline): Pathogenic/Likely pathogenic. Review status: criteria provided, multiple submitters, no conflicts (2 of 4 stars). 10 submissions from 9 submitters: Pathogenic (6); Likely pathogenic (1). 3 of the submissions do not count toward it. Last evaluated 2025-12-30.

Conditions:
ASCC1-related disorder. Also called: ASCC1-Related Disorders; ASCC1-related condition.
Fetal akinesia deformation sequence 1 (FADS1). Also called: Pena-Shokeir syndrome type I; Fetal akinesia sequence. Identifiers: Orphanet 994, MedGen C1276035, MONDO:0100101, OMIM 208150, HP:0001989.
Arthrogryposis multiplex congenita (AMC). Also called: Guérin-Stern syndrome; Congenital multiple arthrogryposis; Fibrous ankylosis of multiple joints; Congenital arthromyodysplasia; Myodystrophia fetalis deformans; Otto syndrome. Identifiers: Orphanet 1037, MedGen C5779613, MeSH D001176, MONDO:0015168, HP:0002804.
Spinal muscular atrophy with congenital bone fractures 2 (SMABF2). Identifiers: MedGen C4225176, MONDO:0014807, OMIM 616867.

Allele frequency attached by ClinVar (database versions not stated): gnomAD 0.00001; ExAC 0.00002; gnomAD exomes 0.00002 and 0.00003; TOPMed 0.00002.
gnomAD v4.1: 45 of 1,614,062 alleles (0.0028%); highest among the groups gnomAD compares: Non-Finnish European, 0.0034%; no homozygotes.

Submissions (10):

GeneDx
Classification: Pathogenic. Last evaluated: 2025-12-30. Review status: criteria provided, single submitter. Criteria: GeneDx Variant Classification Process June 2021. Collection method: clinical testing. Allele origin: germline.
Comment: Canonical splice site variant predicted to result in a null allele in a gene for which loss of function is a known mechanism of disease; Also known as c.710+1 G>A; This variant is associated with the following publications: (PMID: 31680123, 34426522, 34136434, 35338657, 35690317, 28749478)

Blueprint Genetics
Classification: Pathogenic for ASCC1-related disorders. Last evaluated: 2024-06-03. Review status: criteria provided, single submitter. Criteria: ACMG Guidelines, 2015. Collection method: clinical testing. Allele origin: germline. Affected: yes. Observed: 2 variant alleles.

Pittsburgh Clinical Genomics Laboratory, University of Pittsburgh Medical Center
Classification: Likely pathogenic for Spinal muscular atrophy with congenital bone fractures 2. Last evaluated: 2024-03-01. Review status: criteria provided, single submitter. Criteria: ACMG Guidelines, 2015. Collection method: clinical testing. Allele origin: germline. Inheritance: Autosomal recessive inheritance. Affected: yes.
Comment: This sequence variant is a single nucleotide substitution (G>A) at position c.626+1 in the canonical splice site of intron 6 of ASCC1. This variant may also be referred to as c.710+1G>A using an alternative transcript in the literature. The disruption of this splice site would be expected to result in a frameshift, and the introduction of a premature stop codon. As the variant impacts exon 6 of 10, this variant is predicted to generate a non-functional allele through either the expression of a truncated protein or a loss of activating signal cointegrator 1 complex subunit 1 expression due to nonsense mediated decay. This is a previously reported variant (ClinVar 619021) that has been observed in the homozygous state in individuals and a fetus affected by spinal muscular atrophy with congenital bone fracture and fetal akinesia (PMID: 35338657, 31680123, 28749478). This variant is present in 8 of 403618 alleles (0.0020%) in the gnomAD population dataset. Studies examining the functional consequence of this variant have not been published, to our knowledge. However, haploinsufficiency in ASCC1 is a known mechanism of disease. Based upon the evidence, we consider this variant to be likely pathogenic. ACMG Criteria: PM2, PVS1

Rady Children's Institute for Genomic Medicine, Rady Children's Hospital San Diego
Classification: Pathogenic for SPINAL MUSCULAR ATROPHY WITH CONGENITAL BONE FRACTURES 2. Last evaluated: 2020-07-10. Review status: criteria provided, single submitter. Criteria: ACMG Guidelines, 2015. Collection method: clinical testing. Allele origin: germline. Affected: yes.
Comment: This variant affects the canonical splice donor site of intron 7 of 12, and is therefore predicted to interfere with splicing and result in loss of normal protein function through either protein truncation or nonsense-mediated mRNA decay (NMD). This variant has been previously reported as a homozygous change (c.626+1G>A using an alternative transcript NM_001198800.2) in patients with fetal akinesia (PMID: 28749478, 31680123). It is present in the heterozygous state in the gnomAD population database at a frequency of 0.002% (6/251412) and thus is presumed to be rare. Based on the available evidence, the c.710+1G>A variant is classified as Pathogenic.

Cirak Lab, University Hospital Cologne
Classification: Pathogenic for Pena-Shokeir syndrome type I. Last evaluated: 2019-06-28. Review status: criteria provided, single submitter. Criteria: ACMG Guidelines, 2015. Collection method: clinical testing. Allele origin: inherited. Inheritance: Autosomal recessive inheritance. Affected: yes. Observed: 1 homozygote.

Cirak Lab, University Hospital Cologne
Classification: Pathogenic for Arthrogryposis multiplex congenita; Fetal akinesia sequence. Last evaluated: 2019-06-28. Review status: criteria provided, single submitter. Criteria: ACMG Guidelines, 2015. Collection method: research. Allele origin: inherited. Affected: yes. Observed: 1 variant allele.

Laboratory Genomica, Gynecology and Assisted Reproduction Hospital Malinov DM
Classification: Pathogenic for Spinal muscular atrophy with congenital bone fractures 2. Last evaluated: 2018-12-01. Review status: criteria provided, single submitter. Criteria: ACMG Guidelines, 2015. Collection method: clinical testing. Allele origin: germline. Inheritance: Autosomal recessive inheritance. Affected: yes. Observed: 1 homozygote.

Payam Genetics Center, General Welfare Department of North Khorasan Province
Classification: Pathogenic for Spinal muscular atrophy with congenital bone fractures 2. Last evaluated: 2023-01-01. Review status: no assertion criteria provided. Collection method: clinical testing. Allele origin: germline. Affected: no. Not counted in ClinVar's aggregate classification.

Diagnostic Laboratory, Department of Genetics, University Medical Center Groningen
Classification: Pathogenic. Review status: no assertion criteria provided. Collection method: clinical testing. Allele origin: germline. Affected: yes. Study: VKGL Data-share Consensus. Not counted in ClinVar's aggregate classification.

Joint Genome Diagnostic Labs from Nijmegen and Maastricht, Radboudumc and MUMC+
Classification: Pathogenic. Review status: no assertion criteria provided. Collection method: clinical testing. Allele origin: germline. Affected: yes. Study: VKGL Data-share Consensus. Not counted in ClinVar's aggregate classification.

Literature cited by the submitters: PubMed 35338657 (cited by Pittsburgh Clinical Genomics Laboratory, University of Pittsburgh Medical Center); PubMed 31680123 (cited by Pittsburgh Clinical Genomics Laboratory, University of Pittsburgh Medical Center and Cirak Lab, University Hospital Cologne); PubMed 28749478 (cited by Pittsburgh Clinical Genomics Laboratory, University of Pittsburgh Medical Center and Cirak Lab, University Hospital Cologne); PubMed 8677029 (cited by Payam Genetics Center, General Welfare Department of North Khorasan Province).

NM_001198800.3(ASCC1):c.626+1G>A

Gene: ASCC1 (activating signal cointegrator 1 complex subunit 1; minus strand). Cytogenetic location: 10q22.1.
Variant type: single nucleotide variant.
Coding change: c.626+1G>A on transcript NM_001198800.3 (MANE Select); the canonical splice donor site of the intron after coding-DNA position 626, G replaced by A.
Molecular consequence: splice donor variant.
Genome position (GRCh38, 1-based): chr10:72,161,537, C>T on the plus strand (G>A on the coding strand, the complement: ASCC1 is on the minus strand). VCF-style: chr10-72161537-C-T. GRCh37 (hg19) VCF-style: chr10-73921295-C-T.
Other names: c.710+1G>A (NM_001198799.2, NM_001198799.3); c.692+1G>A (NM_001369099.1, NM_001369086.1, NM_001369085.1); c.626+1G>A (NM_001369112.1, NM_001369108.1, NM_001369103.1 and 18 more transcripts); c.509+1G>A (NM_001369105.1, NM_001369102.1, NM_001369106.1 and 2 more transcripts).
Identifiers: ClinVar variation 619021 (VCV000619021.15), dbSNP rs747595523, ClinGen allele CA5548982.